The following is an entry in ClinVar:

ClinVar aggregate classification (germline): Uncertain significance (1 of 4 stars; one submission).

Conditions:
Gorlin syndrome. Also called: Nevoid Basal Cell Carcinoma Syndrome; Basal cell nevus syndrome. Identifiers: Orphanet 377, MedGen C0004779, MONDO:0007187.

Allele frequency attached by ClinVar (database versions not stated): gnomAD 0.00005 and 0.00006; TOPMed 0.00005.
gnomAD v4.1: 48 of 1,614,034 alleles (0.003%); highest among the groups gnomAD compares: African/African-American, 0.019%; 1 homozygote.

Submission:

Labcorp Genetics (formerly Invitae), Labcorp
Classification: Uncertain significance for Gorlin syndrome. Last evaluated: 2023-02-11. Review status: criteria provided, single submitter. Criteria: Invitae Variant Classification Sherloc (09022015). Collection method: clinical testing. Allele origin: germline.
Comment: In summary, the available evidence is currently insufficient to determine the role of this variant in disease. Therefore, it has been classified as a Variant of Uncertain Significance. Advanced modeling of protein sequence and biophysical properties (such as structural, functional, and spatial information, amino acid conservation, physicochemical variation, residue mobility, and thermodynamic stability) performed at Invitae indicates that this missense variant is not expected to disrupt PTCH2 protein function. ClinVar contains an entry for this variant (Variation ID: 941713). This variant has not been reported in the literature in individuals affected with PTCH2-related conditions. This variant is present in population databases (rs144449175, gnomAD 0.02%). This sequence change replaces arginine, which is basic and polar, with cysteine, which is neutral and slightly polar, at codon 811 of the PTCH2 protein (p.Arg811Cys).

NM_003738.5(PTCH2):c.2431C>T (p.Arg811Cys)

Gene: PTCH2 (patched 2; minus strand). Cytogenetic location: 1p34.1.
Variant type: single nucleotide variant.
Coding change: c.2431C>T on transcript NM_003738.5 (MANE Select); coding-DNA position 2431, C replaced by T.
Protein change: p.Arg811Cys; replaces arginine 811 with cysteine.
Molecular consequence: missense variant.
Genome position (GRCh38, 1-based): chr1:44,827,250, G>A on the plus strand (C>T on the coding strand, the complement: PTCH2 is on the minus strand). VCF-style: chr1-44827250-G-A. GRCh37 (hg19) VCF-style: chr1-45292922-G-A.
Other names: c.2431C>T, p.Arg811Cys (NM_001166292.2); short protein forms R811C.
Identifiers: ClinVar variation 941713 (VCV000941713.10), dbSNP rs144449175, ClinGen allele CA823002.
Genomic context (GRCh38, chr1:44,827,250, plus strand): 5'-GGGCGTCTCCAGTCTGGATGAGCAGCTTGTAGGCCAGGGCCCCATCCTCAGAGCCATTGC[G>A]GTACGAGTGGCGGGTGATGCGCCCAGAAGCCCAGTCCTGGTCAAAGGCAGCCTGGATTCC-3'
Protein context (NP_003729.3, residues 801-821): ASGRITRHSY[Arg811Cys]NGSEDGALAY